The following is an entry in ClinVar:

ClinVar aggregate classification (germline): Uncertain significance (1 of 4 stars; one submission).

Conditions:
SLC16A2-related disorder. Also called: SLC16A2-related condition.

Submission:

PreventionGenetics, part of Exact Sciences
Classification: Uncertain significance for SLC16A2-related condition. Last evaluated: 2023-07-18. Review status: criteria provided, single submitter. Criteria: ACMG Guidelines, 2015. Collection method: clinical testing. Allele origin: germline.
Comment: The SLC16A2 c.162G>T variant is predicted to result in the amino acid substitution p.Glu54Asp. To our knowledge, this variant has not been reported in the literature or in a large population database, indicating this variant is rare. At this time, the clinical significance of this variant is uncertain due to the absence of conclusive functional and genetic evidence.

NM_006517.5(SLC16A2):c.162G>T (p.Glu54Asp)

Gene: SLC16A2 (solute carrier family 16 member 2; plus strand). Cytogenetic location: Xq13.2.
Variant type: single nucleotide variant.
Coding change: c.162G>T on transcript NM_006517.5 (MANE Select); coding-DNA position 162, G replaced by T.
Protein change: p.Glu54Asp; replaces glutamic acid 54 with aspartic acid.
Molecular consequence: missense variant.
Genome position (GRCh38, 1-based): chrX:74,421,799, G>T. VCF-style: chrX-74421799-G-T. GRCh37 (hg19) VCF-style: chrX-73641634-G-T.
Other names: short protein forms E54D.
Identifiers: ClinVar variation 2632344 (VCV002632344.1), dbSNP rs2519759332, ClinGen allele CA413655908.